The following is an entry in ClinVar:

NM_001372.4(DNAH9):c.6120C>T (p.Tyr2040=)

Gene: DNAH9 (dynein axonemal heavy chain 9; plus strand). Cytogenetic location: 17p12.
Variant type: single nucleotide variant.
Coding change: c.6120C>T on transcript NM_001372.4 (MANE Select); coding-DNA position 6120, C replaced by T.
Protein change: p.Tyr2040=; no amino-acid change (tyrosine 2040 retained).
Molecular consequence: synonymous variant.
Genome position (GRCh38, 1-based): chr17:11,744,805, C>T. VCF-style: chr17-11744805-C-T. GRCh37 (hg19) VCF-style: chr17-11648122-C-T.
Other names: c.6120C>T (NM_001372.3).
Identifiers: ClinVar variation 1601577 (VCV001601577.11), dbSNP rs138108837, ClinGen allele CA8396222.

ClinVar aggregate classification (germline): Benign/Likely benign. Review status: criteria provided, multiple submitters, no conflicts (2 of 4 stars). 3 submissions from 3 submitters: Benign (1); Likely benign (1). 1 of the submissions does not count toward it. Last evaluated 2026-01-29.

Conditions:
DNAH9-related disorder. Also called: DNAH9-related condition.

Allele frequency attached by ClinVar (database versions not stated): gnomAD exomes 0.00008 and 0.00022; ExAC 0.00029; 1000 Genomes Project 0.00060; 1000 Genomes Project 30x 0.00062; gnomAD 0.00078 and 0.00085; TOPMed 0.00082; ESP Exome Variant Server 0.00108.
gnomAD v4.1: 240 of 1,612,070 alleles (0.015%); highest among the groups gnomAD compares: African/African-American, 0.27%; 1 homozygote.

Submissions (3):

Labcorp Genetics (formerly Invitae), Labcorp
Classification: Benign. Last evaluated: 2026-01-29. Review status: criteria provided, single submitter. Criteria: Invitae Variant Classification Sherloc (09022015). Collection method: clinical testing. Allele origin: germline.

Blueprint Genetics
Classification: Likely benign. Last evaluated: 2024-03-11. Review status: criteria provided, single submitter. Criteria: ACMG Guidelines, 2015. Collection method: clinical testing. Allele origin: germline.

PreventionGenetics, part of Exact Sciences
Classification: Likely benign for DNAH9-related condition. Last evaluated: 2023-09-16. Review status: no assertion criteria provided. Collection method: clinical testing. Allele origin: germline. Not counted in ClinVar's aggregate classification.
Comment: This variant is classified as likely benign based on ACMG/AMP sequence variant interpretation guidelines (Richards et al. 2015 PMID: 25741868, with internal and published modifications).